The following is an entry in ClinVar:

ClinVar aggregate classification (germline): Uncertain significance. Review status: criteria provided, single submitter (1 of 4 stars). 2 submissions from 2 submitters: Uncertain significance (1). 1 of the submissions does not count toward it. Last evaluated 2021-11-30.

Conditions:
COPB2-related disorder. Also called: COPB2-related condition.
Osteoporosis, childhood- or juvenile-onset, with developmental delay. Identifiers: MedGen C5676992, MONDO:0859253, OMIM 619884.

Submissions (2):

Undiagnosed Diseases Network, NIH
Classification: Uncertain significance for COPB2-related condition. Last evaluated: 2021-11-30. Review status: criteria provided, single submitter. Criteria: ACMG Guidelines, 2015. Collection method: clinical testing. Allele origin: de novo. Inheritance: Autosomal dominant inheritance. Affected: yes. Observed: 1 variant allele, 1 compound heterozygote. Study: Undiagnosed Diseases Network (NIH), UDN.

OMIM
Classification: Pathogenic for OSTEOPOROSIS, CHILDHOOD- OR JUVENILE-ONSET, WITH DEVELOPMENTAL DELAY. Last evaluated: 2022-05-24. Review status: no assertion criteria provided. Collection method: literature only. Allele origin: germline. Not counted in ClinVar's aggregate classification.

Literature cited by the submitters: PubMed 34450031 (cited by Undiagnosed Diseases Network, NIH and OMIM).

NM_004766.3(COPB2):c.1237_1238del (p.Lys413fs)

Gene: COPB2 (COPI coat complex subunit beta 2; minus strand). Cytogenetic location: 3q23.
Variant type: Deletion.
Coding change: c.1237_1238del on transcript NM_004766.3 (MANE Select); coding-DNA positions 1237 to 1238, 2 bases deleted (AA; older notation c.1237_1238delAA).
Protein change: p.Lys413fs; shifts the reading frame from lysine 413.
Molecular consequence: frameshift variant. On other transcripts: non-coding transcript variant (1).
Genome position (GRCh38, 1-based): chr3:139,369,512-139,369,513, TT deleted on the plus strand (AA on the coding strand, the reverse complement: COPB2 is on the minus strand); deleting any 2 consecutive bases within chr3:139,369,512-139,369,514 gives the same sequence; the c. name uses the placement nearest the transcript's 3' end. VCF-style (leftmost placement, unchanged base first): chr3-139369511-CTT-C. GRCh37 (hg19) VCF-style: chr3-139088353-CTT-C.
Other names: p.K413NfsTer3; short protein forms K413fs.
Identifiers: ClinVar variation 1327119 (VCV001327119.4), dbSNP rs2107801839, ClinGen allele CA2573052095.